The following is an entry in ClinVar:

NM_015107.3(PHF8):c.3030C>T (p.Leu1010=)

Gene: PHF8 (PHD finger protein 8; minus strand). Cytogenetic location: Xp11.22.
Variant type: single nucleotide variant.
Coding change: c.3030C>T on transcript NM_015107.3 (MANE Select); coding-DNA position 3030, C replaced by T.
Protein change: p.Leu1010=; no amino-acid change (leucine 1010 retained).
Molecular consequence: synonymous variant.
Genome position (GRCh38, 1-based): chrX:53,939,203, G>A on the plus strand (C>T on the coding strand, the complement: PHF8 is on the minus strand). VCF-style: chrX-53939203-G-A. GRCh37 (hg19) VCF-style: chrX-53965636-G-A.
Other names: c.3138C>T, p.Leu1046= (NM_001184896.1); c.2727C>T, p.Leu909= (NM_001184897.2).
Identifiers: ClinVar variation 3025609 (VCV003025609.22), dbSNP rs1557082684, ClinGen allele CA516564817.

ClinVar aggregate classification (germline): Likely benign (1 of 4 stars; one submission).

Allele frequency attached by ClinVar (database versions not stated): gnomAD exomes below 0.00001.
gnomAD v4.1: 4 of 1,210,451 alleles (0.00033%); highest among the groups gnomAD compares: Middle Eastern, 0.023%; no homozygotes.

Submission:

CeGaT Center for Human Genetics Tuebingen
Classification: Likely benign. Last evaluated: 2024-01-01. Review status: criteria provided, single submitter. Criteria: CeGaT Center For Human Genetics Tuebingen Variant Classification Criteria Version 2. Collection method: clinical testing. Allele origin: germline. Affected: yes. Observed: 1 variant allele.
Comment: PHF8: BP4, BP7